The following is an entry in ClinVar:

NM_020381.4(PDSS2):c.295A>G (p.Arg99Gly)

Gene: PDSS2 (decaprenyl diphosphate synthase subunit 2; minus strand). Cytogenetic location: 6q21.
Variant type: single nucleotide variant.
Coding change: c.295A>G on transcript NM_020381.4 (MANE Select); coding-DNA position 295, A replaced by G.
Protein change: p.Arg99Gly; replaces arginine 99 with glycine.
Molecular consequence: missense variant.
Genome position (GRCh38, 1-based): chr6:107,458,991, T>C on the plus strand (A>G on the coding strand, the complement: PDSS2 is on the minus strand). VCF-style: chr6-107458991-T-C. GRCh37 (hg19) VCF-style: chr6-107780195-T-C.
Other names: short protein forms R99G.
Identifiers: ClinVar variation 2019000 (VCV002019000.4), dbSNP rs1782151035, ClinGen allele CA365325693.

ClinVar aggregate classification (germline): Uncertain significance (1 of 4 stars; one submission).

Allele frequency attached by ClinVar (database versions not stated): gnomAD exomes below 0.00001.
gnomAD v4.1: 2 of 1,613,748 alleles (0.00012%); highest among the groups gnomAD compares: Non-Finnish European, 0.00017%; no homozygotes.

Submission:

Labcorp Genetics (formerly Invitae), Labcorp
Classification: Uncertain significance. Last evaluated: 2022-07-22. Review status: criteria provided, single submitter. Criteria: Invitae Variant Classification Sherloc (09022015). Collection method: clinical testing. Allele origin: germline.
Comment: This sequence change replaces arginine, which is basic and polar, with glycine, which is neutral and non-polar, at codon 99 of the PDSS2 protein (p.Arg99Gly). In summary, the available evidence is currently insufficient to determine the role of this variant in disease. Therefore, it has been classified as a Variant of Uncertain Significance. Algorithms developed to predict the effect of sequence changes on RNA splicing suggest that this variant may create or strengthen a splice site. Algorithms developed to predict the effect of missense changes on protein structure and function are either unavailable or do not agree on the potential impact of this missense change (SIFT: "Deleterious"; PolyPhen-2: "Benign"; Align-GVGD: "Class C0"). This variant has not been reported in the literature in individuals affected with PDSS2-related conditions. This variant is not present in population databases (gnomAD no frequency).